The following is an entry in ClinVar:

NM_014314.4(RIGI):c.2556G>C (p.Gln852His)

Gene: RIGI (RNA sensor RIG-I; minus strand). Cytogenetic location: 9p21.1.
Variant type: single nucleotide variant.
Coding change: c.2556G>C on transcript NM_014314.4 (MANE Select); coding-DNA position 2556, G replaced by C.
Protein change: p.Gln852His; replaces glutamine 852 with histidine.
Molecular consequence: missense variant.
Genome position (GRCh38, 1-based): chr9:32,457,344, C>G on the plus strand (G>C on the coding strand, the complement: RIGI is on the minus strand). VCF-style: chr9-32457344-C-G. GRCh37 (hg19) VCF-style: chr9-32457342-C-G.
Other names: c.2550G>C, p.Gln850His (NM_001385907.1); c.2385G>C, p.Gln795His (NM_001385909.1); c.2115G>C, p.Gln705His (NM_001385910.1); c.1947G>C, p.Gln649His (NM_001385912.1); c.2541G>C, p.Gln847His (NM_001385913.1); c.2112G>C, p.Gln704His (NM_001385914.1); short protein forms Q847H, Q850H, Q852H, Q795H, Q705H, Q649H, Q704H.
Identifiers: ClinVar variation 1920241 (VCV001920241.5), dbSNP rs1199769819, ClinGen allele CA373142307.

ClinVar aggregate classification (germline): Uncertain significance (1 of 4 stars; one submission).

Allele frequency attached by ClinVar (database versions not stated): gnomAD exomes 0.00001.
gnomAD v4.1: 6 of 1,614,076 alleles (0.00037%); highest among the groups gnomAD compares: Non-Finnish European, 0.00051%; no homozygotes.

Submission:

Labcorp Genetics (formerly Invitae), Labcorp
Classification: Uncertain significance. Last evaluated: 2026-01-15. Review status: criteria provided, single submitter. Criteria: Invitae Variant Classification Sherloc (09022015). Collection method: clinical testing. Allele origin: germline.
Comment: This sequence change replaces glutamine, which is neutral and polar, with histidine, which is basic and polar, at codon 852 of the DDX58 protein (p.Gln852His). This variant is present in population databases (no rsID available, gnomAD 0.0009%). This variant has not been reported in the literature in individuals affected with DDX58-related conditions. ClinVar contains an entry for this variant (Variation ID: 1920241). Invitae Evidence Modeling of protein sequence and biophysical properties (such as structural, functional, and spatial information, amino acid conservation, physicochemical variation, residue mobility, and thermodynamic stability) indicates that this missense variant is not expected to disrupt DDX58 protein function with a negative predictive value of 80%. In summary, the available evidence is currently insufficient to determine the role of this variant in disease. Therefore, it has been classified as a Variant of Uncertain Significance.